The following is an entry in ClinVar:

ClinVar aggregate classification (germline): Uncertain significance. Review status: criteria provided, multiple submitters, no conflicts (2 of 4 stars). 4 submissions from 4 submitters: Uncertain significance (3). 1 of the submissions does not count toward it. Last evaluated 2025-01-23.

Conditions:
Citrin deficiency. Identifiers: Orphanet 247582, MedGen C1997910, MONDO:0016602.
Neonatal intrahepatic cholestasis due to citrin deficiency (CDNI). Also called: CITRIN DEFICIENCY, NEONATAL OR INFANTILE ONSET; Neonatal-onset citrullinemia type II; Neonatal-onset citrullinemia type 2; Neonatal Intrahepatic Cholestasis Caused by Citrin Deficiency (NICCD). Identifiers: Orphanet 247598, MedGen C1853942, MONDO:0011601, OMIM 605814.

Allele frequency attached by ClinVar (database versions not stated): TOPMed below 0.00001; gnomAD exomes 0.00001 and 0.00003.
gnomAD v4.1: 14 of 1,613,940 alleles (0.00087%); highest among the groups gnomAD compares: East Asian, 0.02%; no homozygotes.

Submissions (4):

Revvity Omics, Revvity
Classification: Uncertain significance. Last evaluated: 2025-01-23. Review status: criteria provided, single submitter. Criteria: ACMG Guidelines, 2015. Collection method: clinical testing. Allele origin: germline.

Blueprint Genetics
Classification: Uncertain significance. Last evaluated: 2022-02-07. Review status: criteria provided, single submitter. Criteria: ACMG Guidelines, 2015. Collection method: clinical testing. Allele origin: germline.

Labcorp Genetics (formerly Invitae), Labcorp
Classification: Uncertain significance for Citrin deficiency. Last evaluated: 2022-01-14. Review status: criteria provided, single submitter. Criteria: Invitae Variant Classification Sherloc (09022015). Collection method: clinical testing. Allele origin: germline.
Comment: This sequence change affects codon 437 of the SLC25A13 mRNA. It is a 'silent' change, meaning that it does not change the encoded amino acid sequence of the SLC25A13 protein. It affects a nucleotide within the consensus splice site. This variant is present in population databases (no rsID available, gnomAD 0.05%). This variant has been observed in individual(s) with citrin deficiency (PMID: 21507300). ClinVar contains an entry for this variant (Variation ID: 252922). Algorithms developed to predict the effect of sequence changes on RNA splicing suggest that this variant may disrupt the consensus splice site. In summary, the available evidence is currently insufficient to determine the role of this variant in disease. Therefore, it has been classified as a Variant of Uncertain Significance.

Shenzhen Institute of Pediatrics, Shenzhen Children's Hospital
Classification: Uncertain significance for Neonatal intrahepatic cholestasis due to citrin deficiency. Last evaluated: 2009-06-02. Review status: no assertion criteria provided. Collection method: clinical testing. Allele origin: unknown. Affected: yes. Not counted in ClinVar's aggregate classification.

Literature cited by the submitters: PubMed 21507300 (cited by Labcorp Genetics (formerly Invitae), Labcorp and Shenzhen Institute of Pediatrics, Shenzhen Children's Hospital).

NM_014251.3(SLC25A13):c.1311C>T (p.Cys437=)

Gene: SLC25A13 (solute carrier family 25 member 13; minus strand). Cytogenetic location: 7q21.3.
Variant type: single nucleotide variant.
Coding change: c.1311C>T on transcript NM_014251.3 (MANE Select); coding-DNA position 1311, C replaced by T.
Protein change: p.Cys437=; no amino-acid change (cysteine 437 retained).
Molecular consequence: synonymous variant. On other transcripts: non-coding transcript variant (1).
Genome position (GRCh38, 1-based): chr7:96,170,045, G>A on the plus strand (C>T on the coding strand, the complement: SLC25A13 is on the minus strand). VCF-style: chr7-96170045-G-A. GRCh37 (hg19) VCF-style: chr7-95799357-G-A.
Other names: c.1314C>T, p.Cys438= (NM_001160210.2).
Identifiers: ClinVar variation 252922 (VCV000252922.6), dbSNP rs879255502, ClinGen allele CA10586125.